The following is an entry in ClinVar:

ClinVar aggregate classification (germline): Pathogenic (1 of 4 stars; one submission).

Conditions:
Joubert syndrome. Also called: CEREBELLOPARENCHYMAL DISORDER IV; JOUBERT-BOLTSHAUSER SYNDROME; Familial aplasia of the vermis. Identifiers: Orphanet 475, MedGen C5979921, MONDO:0018772.
Nephronophthisis. Also called: Juvenile Nephronophthisis. Identifiers: Orphanet 655, MedGen C0687120, MONDO:0019005, HP:0000090.
Meckel-Gruber syndrome. Also called: DYSENCEPHALIA SPLANCHNOCYSTICA; GRUBER SYNDROME; Dysencephalia splachnocystica. Identifiers: Orphanet 564, MedGen C0265215, MONDO:0018921.

Submission:

Labcorp Genetics (formerly Invitae), Labcorp
Classification: Pathogenic for Joubert syndrome; Meckel-Gruber syndrome; Nephronophthisis. Last evaluated: 2023-05-24. Review status: criteria provided, single submitter. Criteria: Invitae Variant Classification Sherloc (09022015). Collection method: clinical testing. Allele origin: germline.
Comment: For these reasons, this variant has been classified as Pathogenic. This variant has not been reported in the literature in individuals affected with CEP290-related conditions. This variant is not present in population databases (gnomAD no frequency). This sequence change creates a premature translational stop signal (p.Lys161Asnfs*2) in the CEP290 gene. It is expected to result in an absent or disrupted protein product. Loss-of-function variants in CEP290 are known to be pathogenic (PMID: 16909394, 17345604, 20690115).

Literature cited by the submitters: PubMed 16909394; PubMed 17345604; PubMed 20690115.

NM_025114.4(CEP290):c.483del (p.Lys161fs)

Gene: CEP290 (centrosomal protein 290; minus strand). Cytogenetic location: 12q21.32.
Variant type: Deletion.
Coding change: c.483del on transcript NM_025114.4 (MANE Select); coding-DNA position 483, one base deleted (A; older notation c.483delA).
Protein change: p.Lys161fs; shifts the reading frame from lysine 161.
Molecular consequence: frameshift variant.
Genome position (GRCh38, 1-based): chr12:88,131,177, T deleted on the plus strand (A on the coding strand, the reverse complement: CEP290 is on the minus strand); the first of 3 consecutive T bases (chr12:88,131,177-88,131,179); deleting any one gives the same sequence. VCF-style (leftmost placement, unchanged base first): chr12-88131176-AT-A. GRCh37 (hg19) VCF-style: chr12-88524953-AT-A.
Other names: short protein forms K161fs.
Identifiers: ClinVar variation 2938018 (VCV002938018.3), dbSNP rs2501542597, ClinGen allele CA2740092532.